The following is an entry in ClinVar:

NM_015978.3(TNNI3K):c.1990C>A (p.Pro664Thr)

Genes: FPGT-TNNI3K (FPGT-TNNI3K readthrough; plus strand), TNNI3K (TNNI3 interacting kinase; plus strand). Cytogenetic location: 1p31.1.
Variant type: single nucleotide variant.
Coding change: c.1990C>A on transcript NM_015978.3 (MANE Select); coding-DNA position 1990, C replaced by A.
Protein change: p.Pro664Thr; replaces proline 664 with threonine.
Molecular consequence: missense variant.
Genome position (GRCh38, 1-based): chr1:74,439,601, C>A. VCF-style: chr1-74439601-C-A. GRCh37 (hg19) VCF-style: chr1-74905285-C-A.
Other names: c.2293C>A, p.Pro765Thr (NM_001112808.3, NM_001199327.2); short protein forms P664T, P765T.
Identifiers: ClinVar variation 1967836 (VCV001967836.5), dbSNP rs199988336, ClinGen allele CA24566065.
Genomic context (GRCh38, chr1:74,439,601, plus strand): 5'-ATCAAAGCAGATGTCTTCAGCTATGCTCTGTGTCTGTGGGAAATTCTCACTGGCGAAATT[C>A]CATTCGCTCATCTCAAGCCAGGTAAGACACACTGCAATTGAAGTTTTCCTGTTTTACAGA-3'
Protein context (NP_057062.1, residues 654-674): CLWEILTGEI[Pro664Thr]FAHLKPAAAA

ClinVar aggregate classification (germline): Uncertain significance (1 of 4 stars; one submission).

Allele frequency attached by ClinVar (database versions not stated): gnomAD exomes 0.00001; TOPMed 0.00002.
gnomAD v4.1: 6 of 1,613,394 alleles (0.00037%); highest among the groups gnomAD compares: South Asian, 0.0011%; no homozygotes.

Submission:

Labcorp Genetics (formerly Invitae), Labcorp
Classification: Uncertain significance. Last evaluated: 2022-08-20. Review status: criteria provided, single submitter. Criteria: Invitae Variant Classification Sherloc (09022015). Collection method: clinical testing. Allele origin: germline.
Comment: This variant is not present in population databases (gnomAD no frequency). This sequence change replaces proline, which is neutral and non-polar, with threonine, which is neutral and polar, at codon 664 of the TNNI3K protein (p.Pro664Thr). This variant has not been reported in the literature in individuals affected with TNNI3K-related conditions. Algorithms developed to predict the effect of missense changes on protein structure and function (SIFT, PolyPhen-2, Align-GVGD) all suggest that this variant is likely to be disruptive. In summary, the available evidence is currently insufficient to determine the role of this variant in disease. Therefore, it has been classified as a Variant of Uncertain Significance.